The following is an entry in ClinVar:

NM_000059.4(BRCA2):c.10253T>A (p.Ile3418Asn)

Gene: BRCA2 (BRCA2 DNA repair associated; plus strand). Cytogenetic location: 13q13.1.
Variant type: single nucleotide variant.
Coding change: c.10253T>A on transcript NM_000059.4 (MANE Select); coding-DNA position 10253, T replaced by A.
Protein change: p.Ile3418Asn; replaces isoleucine 3418 with asparagine.
Molecular consequence: missense variant.
Genome position (GRCh38, 1-based): chr13:32,398,766, T>A. VCF-style: chr13-32398766-T-A. GRCh37 (hg19) VCF-style: chr13-32972903-T-A.
Other names: short protein forms I3418N.
Identifiers: ClinVar variation 409470 (VCV000409470.9), dbSNP rs778034661, ClinGen allele CA16614413.
Genomic context (GRCh38, chr13:32,398,766, plus strand): 5'-AGGCCAGTACGGAAGAATGTGAGAAAAATAAGCAGGACACAATTACAACTAAAAAATATA[T>A]CTAAGCATTTGCAAAGGCGACAATAAATTATTGACGCTTAACCTTTCCAGTTTATAAGAC-3'
Protein context (NP_000050.3, residues 3408-3418): KQDTITTKKY[Ile3418Asn]

ClinVar aggregate classification (germline): Uncertain significance (1 of 4 stars; one submission).

Conditions:
Hereditary breast ovarian cancer syndrome. Also called: Hereditary breast and ovarian cancer; Hereditary breast and/or ovarian cancer syndrome; BRCA1- and BRCA2-Associated Hereditary Breast and Ovarian Cancer; Hereditary breast and ovarian cancer syndrome; Hereditary breast and ovarian cancer syndrome (HBOC); Breast and ovarian cancer. Identifiers: Orphanet 145, MedGen C0677776, MeSH D061325, MONDO:0003582. Disease mechanism: loss of function.

Submission:

Labcorp Genetics (formerly Invitae), Labcorp
Classification: Uncertain significance for Hereditary breast ovarian cancer syndrome. Last evaluated: 2021-08-27. Review status: criteria provided, single submitter. Criteria: Invitae Variant Classification Sherloc (09022015). Collection method: clinical testing. Allele origin: germline.
Comment: In summary, this variant is a novel missense change that is not predicted to affect protein function. There is no indication that it causes disease, but the available evidence is currently insufficient to prove that conclusively. Therefore, it has been classified as a Variant of Uncertain Significance. Algorithms developed to predict the effect of missense changes on protein structure and function (SIFT, PolyPhen-2, Align-GVGD) all suggest that this variant is likely to be tolerated, but these predictions have not been confirmed by published functional studies. This variant is not present in population databases (ExAC no frequency) and has not been reported in the literature in individuals with a BRCA2-related disease. This sequence change replaces isoleucine with asparagine at codon 3418 of the BRCA2 protein (p.Ile3418Asn). The isoleucine residue is weakly conserved and there is a large physicochemical difference between isoleucine and asparagine.